The following is an entry in ClinVar:

NM_000179.3(MSH6):c.4005_4008dup (p.Cys1337fs)

Gene: MSH6 (mutS homolog 6; plus strand). Cytogenetic location: 2p16.3.
Variant type: Duplication.
Coding change: c.4005_4008dup on transcript NM_000179.3 (MANE Select); coding-DNA positions 4005 to 4008, 4 bases duplicated (AGTT; older notation c.4005_4008dupAGTT).
Protein change: p.Cys1337fs; shifts the reading frame from cysteine 1337.
Molecular consequence: frameshift variant.
Genome position (GRCh38, 1-based): chr2:47,806,782-47,806,785, AGTT duplicated. VCF-style (leftmost placement, unchanged base first): chr2-47806781-A-AAGTT. GRCh37 (hg19) VCF-style: chr2-48033920-A-AAGTT.
Other names: c.4005_4008dupAGTT (NM_000179.2); c.3615_3618dup, p.Cys1207fs (NM_001281492.2); c.3099_3102dup, p.Cys1035fs (NM_001281493.2, NM_001281494.2); short protein forms C1207fs, C1035fs, C1337fs.
Identifiers: ClinVar variation 938740 (VCV000938740.10), dbSNP rs1670208407, ClinGen allele CA1139656993.

ClinVar aggregate classification (germline): Conflicting classifications of pathogenicity. Review status: criteria provided, conflicting classifications (1 of 4 stars). 2 submissions from 2 submitters: Likely pathogenic (1); Uncertain significance (1). Last evaluated 2023-03-09.

Conditions:
Hereditary nonpolyposis colorectal neoplasms. Identifiers: MedGen C0009405, MeSH D003123.
Hereditary cancer-predisposing syndrome. Also called: Tumor predisposition; Hereditary neoplastic syndrome; Hereditary Cancer Syndrome; Neoplastic Syndromes, Hereditary. Identifiers: Orphanet 140162, MedGen C0027672, MeSH D009386, MONDO:0015356.

Submissions (2):

Ambry Genetics
Classification: Likely pathogenic for Hereditary cancer-predisposing syndrome. Last evaluated: 2023-03-09. Review status: criteria provided, single submitter. Criteria: Ambry Variant Classification Scheme 2023. Collection method: clinical testing. Allele origin: germline.
Comment: The c.4005_4008dupAGTT variant, located in coding exon 10 of the MSH6 gene, results from a duplication of AGTT at nucleotide positions 4005 to 4008, causing a translational frameshift with a predicted alternate stop codon (p.C1337Sfs*5). This alteration occurs at the 3' terminus of theMSH6 gene, is not expected to trigger nonsense-mediated mRNA decay, and only impacts the last 1.5% of the protein. However, premature stop codons are typically deleterious in nature and the impacted region is critical for protein function (Ambry internal data). This variant is considered to be rare based on population cohorts in the Genome Aggregation Database (gnomAD). Based on the majority of available evidence to date, this variant is likely to be pathogenic.

Labcorp Genetics (formerly Invitae), Labcorp
Classification: Uncertain significance for Hereditary nonpolyposis colorectal neoplasms. Last evaluated: 2019-07-24. Review status: criteria provided, single submitter. Criteria: Invitae Variant Classification Sherloc (09022015). Collection method: clinical testing. Allele origin: germline.
Comment: This sequence change results in a premature translational stop signal in the MSH6 gene (p.Cys1337Serfs*5). While this is not anticipated to result in nonsense mediated decay, it is expected to disrupt the last 24 amino acids of the MSH6 protein. In summary, the available evidence is currently insufficient to determine the role of this variant in disease. Therefore, it has been classified as a Variant of Uncertain Significance. Experimental studies and prediction algorithms are not available or were not evaluated for this variant, and the functional significance of the affected amino acid(s) is currently unknown. This variant has not been reported in the literature in individuals with MSH6-related conditions. This variant is not present in population databases (ExAC no frequency).